The following is an entry in ClinVar:

ClinVar aggregate classification (germline): Uncertain significance. Review status: criteria provided, multiple submitters, no conflicts (2 of 4 stars). 2 submissions from 2 submitters: Uncertain significance (2). Last evaluated 2026-04-14.

gnomAD v4.1: 54 of 1,613,106 alleles (0.0033%); highest among the groups gnomAD compares: Non-Finnish European, 0.0042%; no homozygotes.

Submissions (2):

GeneDx
Classification: Uncertain significance. Last evaluated: 2026-04-14. Review status: criteria provided, single submitter. Criteria: GeneDx Variant Classification Process June 2021. Collection method: clinical testing. Allele origin: germline.
Comment: Not observed at significant frequency in large population cohorts (gnomAD); In silico analysis supports that this missense variant has a deleterious effect on protein structure/function; Has not been previously published as pathogenic or benign to our knowledge; In silico analysis is inconclusive as to whether the variant alters gene splicing. In the absence of RNA/functional studies, the actual effect of this sequence change is unknown.

Ambry Genetics
Classification: Uncertain significance. Last evaluated: 2025-05-18. Review status: criteria provided, single submitter. Criteria: Ambry Variant Classification Scheme 2023. Collection method: clinical testing. Allele origin: germline.

NM_000601.6(HGF):c.494C>T (p.Ser165Leu)

Gene: HGF (hepatocyte growth factor; minus strand). Cytogenetic location: 7q21.11.
Variant type: single nucleotide variant.
Coding change: c.494C>T on transcript NM_000601.6 (MANE Select); coding-DNA position 494, C replaced by T.
Protein change: p.Ser165Leu; replaces serine 165 with leucine.
Molecular consequence: missense variant. On other transcripts: intron variant (2).
Genome position (GRCh38, 1-based): chr7:81,752,251, G>A on the plus strand (C>T on the coding strand, the complement: HGF is on the minus strand). VCF-style: chr7-81752251-G-A. GRCh37 (hg19) VCF-style: chr7-81381567-G-A.
Other names: c.494C>T, p.Ser165Leu (NM_001010931.3, NM_001010934.3); c.483-4C>T (NM_001010932.3, NM_001010933.3); short protein forms S165L.
Identifiers: ClinVar variation 4034967 (VCV004034967.2).